The following is an entry in ClinVar:

NM_172351.3(CD46):c.888G>A (p.Ala296=)

Gene: CD46 (CD46 molecule; plus strand). Cytogenetic location: 1q32.2.
Variant type: single nucleotide variant.
Coding change: c.888G>A on transcript NM_172351.3 (MANE Select); coding-DNA position 888, G replaced by A.
Protein change: p.Ala296=; no amino-acid change (alanine 296 retained).
Molecular consequence: synonymous variant. On other transcripts: intron variant (5).
Genome position (GRCh38, 1-based): chr1:207,767,810, G>A. VCF-style: chr1-207767810-G-A. GRCh37 (hg19) VCF-style: chr1-207941155-G-A.
Other names: c.933G>A, p.Ala311= (NM_002389.4, NM_172359.3); c.888G>A, p.Ala296= (NM_153826.4, NM_172355.3, NM_172356.3 and 1 more transcripts); c.856+615G>A (NM_172352.3, NM_172353.3, NM_172350.3 and 2 more transcripts).
Identifiers: ClinVar variation 1586940 (VCV001586940.11), dbSNP rs141930331, ClinGen allele CA1371800.

ClinVar aggregate classification (germline): Likely benign. Review status: criteria provided, multiple submitters, no conflicts (2 of 4 stars). 3 submissions from 3 submitters: Likely benign (2). 1 of the submissions does not count toward it. Last evaluated 2026-01-21.

Conditions:
CD46-related disorder. Also called: CD46-related condition.

Allele frequency attached by ClinVar (database versions not stated): ExAC 0.00004; gnomAD 0.00005 and 0.00006; gnomAD exomes 0.00007; TOPMed 0.00009; ESP Exome Variant Server 0.00015.
gnomAD v4.1: 96 of 1,610,706 alleles (0.006%); highest among the groups gnomAD compares: Middle Eastern, 0.049%; no homozygotes.

Submissions (3):

Labcorp Genetics (formerly Invitae), Labcorp
Classification: Likely benign. Last evaluated: 2026-01-21. Review status: criteria provided, single submitter. Criteria: Invitae Variant Classification Sherloc (09022015). Collection method: clinical testing. Allele origin: germline.

Blueprint Genetics
Classification: Likely benign. Last evaluated: 2024-03-21. Review status: criteria provided, single submitter. Criteria: ACMG Guidelines, 2015. Collection method: clinical testing. Allele origin: germline.

PreventionGenetics, part of Exact Sciences
Classification: Likely benign for CD46-related condition. Last evaluated: 2020-01-31. Review status: no assertion criteria provided. Collection method: clinical testing. Allele origin: germline. Not counted in ClinVar's aggregate classification.
Comment: This variant is classified as likely benign based on ACMG/AMP sequence variant interpretation guidelines (Richards et al. 2015 PMID: 25741868, with internal and published modifications).